The following is an entry in ClinVar:

ClinVar aggregate classification (germline): Uncertain significance. Review status: criteria provided, multiple submitters, no conflicts (2 of 4 stars). 2 submissions from 2 submitters: Uncertain significance (2). Last evaluated 2024-05-21.

Conditions:
Sucrase-isomaltase deficiency (CSID). Also called: Deficiency of isomaltase; Congenital sucrose isomaltose malabsorption; Sucrose isomaltose enzyme deficiency; SI DEFICIENCY. Identifiers: Orphanet 35122, MedGen C1283620, MONDO:0009114, OMIM 222900.

Allele frequency attached by ClinVar (database versions not stated): ExAC 0.00002.

Submissions (2):

Fulgent Genetics
Classification: Uncertain significance for Sucrase-isomaltase deficiency. Last evaluated: 2024-05-21. Review status: criteria provided, single submitter. Criteria: ACMG Guidelines, 2015. Collection method: clinical testing. Allele origin: germline.

Labcorp Genetics (formerly Invitae), Labcorp
Classification: Uncertain significance. Last evaluated: 2022-06-23. Review status: criteria provided, single submitter. Criteria: Invitae Variant Classification Sherloc (09022015). Collection method: clinical testing. Allele origin: germline.
Comment: This sequence change replaces aspartic acid, which is acidic and polar, with asparagine, which is neutral and polar, at codon 1064 of the SI protein (p.Asp1064Asn). In summary, the available evidence is currently insufficient to determine the role of this variant in disease. Therefore, it has been classified as a Variant of Uncertain Significance. Advanced modeling of protein sequence and biophysical properties (such as structural, functional, and spatial information, amino acid conservation, physicochemical variation, residue mobility, and thermodynamic stability) performed at Invitae indicates that this missense variant is not expected to disrupt SI protein function. This variant has not been reported in the literature in individuals affected with SI-related conditions. This variant is present in population databases (rs764256380, gnomAD 0.003%).

NM_001041.4(SI):c.3190G>A (p.Asp1064Asn)

Gene: SI (sucrase-isomaltase; minus strand). Cytogenetic location: 3q26.1.
Variant type: single nucleotide variant.
Coding change: c.3190G>A on transcript NM_001041.4 (MANE Select); coding-DNA position 3190, G replaced by A.
Protein change: p.Asp1064Asn; replaces aspartic acid 1064 with asparagine.
Molecular consequence: missense variant.
Genome position (GRCh38, 1-based): chr3:165,021,293, C>T on the plus strand (G>A on the coding strand, the complement: SI is on the minus strand). VCF-style: chr3-165021293-C-T. GRCh37 (hg19) VCF-style: chr3-164739081-C-T.
Other names: short protein forms D1064N.
Identifiers: ClinVar variation 1938197 (VCV001938197.6), dbSNP rs764256380, ClinGen allele CA2690357.